The following is an entry in ClinVar:

NM_000423.3(KRT2):c.1459G>A (p.Glu487Lys)

Gene: KRT2 (keratin 2; minus strand). Cytogenetic location: 12q13.13.
Variant type: single nucleotide variant.
Coding change: c.1459G>A on transcript NM_000423.3 (MANE Select); coding-DNA position 1459, G replaced by A.
Protein change: p.Glu487Lys; replaces glutamic acid 487 with lysine.
Molecular consequence: missense variant.
Genome position (GRCh38, 1-based): chr12:52,646,750, C>T on the plus strand (G>A on the coding strand, the complement: KRT2 is on the minus strand). VCF-style: chr12-52646750-C-T. GRCh37 (hg19) VCF-style: chr12-53040534-C-T.
Other names: E493K; short protein forms E487K.
Identifiers: ClinVar variation 9310 (VCV000009310.15), dbSNP rs137852629, ClinGen allele CA120291.

ClinVar aggregate classification (germline): Pathogenic. Review status: criteria provided, multiple submitters, no conflicts (2 of 4 stars). 10 submissions from 9 submitters: Pathogenic (7). 3 of the submissions do not count toward it. Last evaluated 2026-07-24.

Conditions:
KRT2-related disorder. Also called: KRT2-related condition.
Ichthyosis bullosa of Siemens (IBS). Also called: Superficial epidermolytic ichthyosis. Identifiers: Orphanet 455, MedGen C0432306, MONDO:0007813, OMIM 146800.
Exfoliative ichthyosis. Also called: Ichthyosis exfoliativa. Identifiers: Orphanet 289586, MedGen C1838440, MONDO:0017339.

Allele frequency attached by ClinVar (database versions not stated): gnomAD exomes below 0.00001.
gnomAD v4.1: 1 of 1,614,098 alleles (0.000062%); highest among the groups gnomAD compares: Non-Finnish European, 0.000085%; no homozygotes.

Submissions (10):

PreventionGenetics, part of Exact Sciences
Classification: Pathogenic for KRT2-related condition. Last evaluated: 2026-07-24. Review status: criteria provided, single submitter. Criteria: ACMG Guidelines, 2015. Collection method: clinical testing. Allele origin: germline.
Comment: The KRT2 c.1459G>A variant is predicted to result in the amino acid substitution p.Glu487Lys. This variant has been reported in the heterozygous state in multiple unrelated individuals with ichthyosis (see for example: Sitek et al. 2018. PubMed ID: 29444371; Cheng et al. 2020. PubMed ID: 31953843; documented as E493K in McLean et al. 1994. PubMed ID: 7521371; Basarab et al. 1999. PubMed ID: 10233323). This variant has not been reported in a large population database (gnomAD), indicating this variant is rare. This variant is interpreted as pathogenic.

Victorian Clinical Genetics Services, Murdoch Childrens Research Institute
Classification: Pathogenic for Ichthyosis bullosa of Siemens. Last evaluated: 2026-03-05. Review status: criteria provided, single submitter. Criteria: ACMG Guidelines, 2015. Collection method: clinical testing. Allele origin: germline. Affected: yes.
Comment: This variant is classified as Pathogenic. Evidence in support of pathogenic classification: Variant is present in gnomAD <0.001 for a dominant condition (v4: 1 heterozygote(s), 0 homozygote(s)); This variant has strong previous evidence of pathogenicity in unrelated individuals. This variant has been classified as pathogenic by multiple clinical laboratories in ClinVar, and reported in the literature in many individuals with superficial epidermolytic ichthyosis (PMID: 35887135); Variant is located in the well-established functional helix termination motif (PMID: 35887135); Missense variant predicted to be damaging by in silico tool(s) or highly conserved with a major amino acid change; Additional information: Variant is predicted to result in a missense amino acid change from Glu to Lys; This variant is heterozygous; This gene is associated with autosomal dominant disease; The mechanism of disease for this gene is not clearly established; Variants in this gene are known to have variable expressivity (PMID: 35887135).

Clinical Genomics Laboratory, Washington University in St. Louis
Classification: Pathogenic for Ichthyosis bullosa of Siemens. Last evaluated: 2025-04-25. Review status: criteria provided, single submitter. Criteria: Leon-Quintero et al. (Clin Genet. 2025). Collection method: clinical testing. Allele origin: somatic. Affected: yes.
Comment: A KRT2 c.1459G>A (p.Glu487Lys) variant was identified at an allelic fraction consistent with somatic origin. This variant has been reported in the literature in numerous patients with superficial epidermolytic ichthyosis, also known as ichthyosis bullosa of Siemens in both a germline and somatic state (Suzuki Y et al., PMID: 35887135; Li Y et al., PMID: 32881395; Suzuki Y et al., PMID: 35887135; Hotz A et al., PMID: 26581228; McLean WH et al., PMID: 7521371; Rothnagel JA et al., PMID: 7524919; Diociaiuti A et al., PMID: 33081034) and well as in a somatic state in epidermal nevus (Mohamad J et al., PMID: 33555633.). This variant has been reported in the ClinVar database as a germline pathogenic variant by three submitters (ClinVar variation ID: 9310). It is only observed on 1/1,614,098 alleles in the general population (gnomAD v.4.1.0), indicating it is not a common variant. Computational predictors indicate that the variant is damaging, evidence that correlates with impact to KRT2 function. Another variant in the same codon, p.Glu487Asp has been reported and is considered pathogenic (Rothnagel JA et al., PMID: 7524919; Collin C et al., PMID: 1380918). Based on an internally developed protocol informed by the ACMG/AMP guidelines (Leon-Quintero FZ, et al., PMID: 39434542), and gene-specific practices from the ClinGen Criteria Specification Registry, the KRT2 c.1459G>A (p.Glu487Lys) variant is classified as pathogenic.

Labcorp Genetics (formerly Invitae), Labcorp
Classification: Pathogenic. Last evaluated: 2025-01-03. Review status: criteria provided, single submitter. Criteria: Invitae Variant Classification Sherloc (09022015). Collection method: clinical testing. Allele origin: germline.
Comment: This sequence change replaces glutamic acid, which is acidic and polar, with lysine, which is basic and polar, at codon 487 of the KRT2 protein (p.Glu487Lys). This variant is not present in population databases (gnomAD no frequency). This missense change has been observed in individuals with epidermolytic ichthyosis (PMID: 26581228, 29444371, 31953843). ClinVar contains an entry for this variant (Variation ID: 9310). Invitae Evidence Modeling of protein sequence and biophysical properties (such as structural, functional, and spatial information, amino acid conservation, physicochemical variation, residue mobility, and thermodynamic stability) indicates that this missense variant is expected to disrupt KRT2 protein function with a positive predictive value of 80%. For these reasons, this variant has been classified as Pathogenic.

Blueprint Genetics
Classification: Pathogenic for KRT2-related disorders. Last evaluated: 2023-08-28. Review status: criteria provided, single submitter. Criteria: ACMG Guidelines, 2015. Collection method: clinical testing. Allele origin: germline. Affected: yes. Observed: 4 variant alleles.

GeneDx
Classification: Pathogenic. Last evaluated: 2022-12-01. Review status: criteria provided, single submitter. Criteria: GeneDx Variant Classification Process June 2021. Collection method: clinical testing. Allele origin: germline. Affected: yes.
Comment: Located within the highly conserved helix termination motif (2B) of the rod domain of keratin 2, a well-known mutational hot spot region that is intolerant to change; Not observed in large population cohorts (gnomAD); In silico analysis, which includes protein predictors and evolutionary conservation, supports a deleterious effect; This variant is associated with the following publications: (PMID: 29171394, 29444371, 26581228, 10688369, 10233323, 31953843, 33081034, 32881395, 7524919, 24077912)

Mendelics
Classification: Pathogenic for Ichthyosis bullosa of Siemens. Last evaluated: 2022-05-04. Review status: criteria provided, single submitter. Criteria: Mendelics Assertion Criteria 2019. Collection method: clinical testing. Allele origin: germline.

OMIM
Classification: Pathogenic for ICHTHYOSIS BULLOSA OF SIEMENS. Last evaluated: 1999-04-01. Review status: no assertion criteria provided. Collection method: literature only. Allele origin: germline. Not counted in ClinVar's aggregate classification.

OMIM
Classification: Pathogenic for ICHTHYOSIS EXFOLIATIVA. Last evaluated: 1999-04-01. Review status: no assertion criteria provided. Collection method: literature only. Allele origin: germline. Not counted in ClinVar's aggregate classification.

Epithelial Biology;  Institute of Medical Biology, Singapore
No classification provided. Review status: no classification provided. Collection method: not provided. Allele origin: not provided. Not counted in ClinVar's aggregate classification.

Literature cited by the submitters: PubMed 35887135 (cited by Victorian Clinical Genetics Services, Murdoch Childrens Research Institute); PubMed 26581228 (cited by Labcorp Genetics (formerly Invitae), Labcorp); PubMed 29444371 (cited by Labcorp Genetics (formerly Invitae), Labcorp); PubMed 31953843 (cited by Labcorp Genetics (formerly Invitae), Labcorp); PubMed 7524919 (cited by OMIM); PubMed 7521371 (cited by OMIM); PubMed 8077693 (cited by OMIM); PubMed 2004005 (cited by OMIM); PubMed 10233323 (cited by OMIM).